The following is an entry in ClinVar:

ClinVar aggregate classification (germline): Benign (1 of 4 stars; one submission).

Allele frequency attached by ClinVar (database versions not stated): 1000 Genomes Project 30x 0.21846; 1000 Genomes Project 0.22224; TOPMed 0.22504; gnomAD 0.22762 and 0.23022.
gnomAD v4.1: 34,931 of 151,970 alleles (23%); highest among the groups gnomAD compares: East Asian, 31%; 4,460 homozygotes.

Submission:

GeneDx
Classification: Benign. Last evaluated: 2018-06-18. Review status: criteria provided, single submitter. Criteria: GeneDx Variant Classification (06012015). Collection method: clinical testing. Allele origin: germline. Affected: yes.
Comment: This variant is considered likely benign or benign based on one or more of the following criteria: it is a conservative change, it occurs at a poorly conserved position in the protein, it is predicted to be benign by multiple in silico algorithms, and/or has population frequency not consistent with disease.

NM_001943.5(DSG2):c.523+252A>G

Gene: DSG2 (desmoglein 2; plus strand). Cytogenetic location: 18q12.1.
Variant type: single nucleotide variant.
Coding change: c.523+252A>G on transcript NM_001943.5 (MANE Select); 252 bases into the intron after coding-DNA position 523, A replaced by G.
Molecular consequence: intron variant.
Genome position (GRCh38, 1-based): chr18:31,521,495, A>G. VCF-style: chr18-31521495-A-G. GRCh37 (hg19) VCF-style: chr18-29101458-A-G.
Identifiers: ClinVar variation 683845 (VCV000683845.1), dbSNP rs62095191, ClinGen allele CA297729677.